The following is an entry in ClinVar:

NM_001903.5(CTNNA1):c.2340G>C (p.Leu780=)

Gene: CTNNA1 (catenin alpha 1; plus strand). Cytogenetic location: 5q31.2.
Variant type: single nucleotide variant.
Coding change: c.2340G>C on transcript NM_001903.5 (MANE Select); coding-DNA position 2340, G replaced by C.
Protein change: p.Leu780=; no amino-acid change (leucine 780 retained).
Molecular consequence: synonymous variant. On other transcripts: intron variant (1).
Genome position (GRCh38, 1-based): chr5:138,932,619, G>C. VCF-style: chr5-138932619-G-C. GRCh37 (hg19) VCF-style: chr5-138268308-G-C.
Other names: c.2340G>C, p.Leu780= (NM_001290307.3, NM_001323982.2, NM_001323983.1 and 2 more transcripts); c.2031G>C, p.Leu677= (NM_001290309.3); c.1971G>C, p.Leu657= (NM_001290310.3); c.1230G>C, p.Leu410= (NM_001290312.1, NM_001323987.1, NM_001323988.1 and 16 more transcripts); c.2247G>C, p.Leu749= (NM_001323986.2); c.891G>C, p.Leu297= (NM_001324006.1, NM_001324007.1, NM_001324008.1 and 2 more transcripts); c.1137G>C, p.Leu379= (NM_001324011.1); c.987G>C, p.Leu329= (NM_001324012.1, NM_001324013.1); and 1 more.
Identifiers: ClinVar variation 415352 (VCV000415352.15), dbSNP rs1060504517, ClinGen allele CA16612016.

ClinVar aggregate classification (germline): Benign/Likely benign. Review status: criteria provided, multiple submitters, no conflicts (2 of 4 stars). 3 submissions from 3 submitters: Benign (1); Likely benign (2). Last evaluated 2025-06-24.

Conditions:
Hereditary cancer-predisposing syndrome. Also called: Tumor predisposition; Neoplastic Syndromes, Hereditary; Hereditary Cancer Syndrome; Hereditary neoplastic syndrome. Identifiers: Orphanet 140162, MedGen C0027672, MeSH D009386, MONDO:0015356.
Hereditary diffuse gastric adenocarcinoma (HDGC). Also called: DIFFUSE GASTRIC AND LOBULAR BREAST CANCER SYNDROME. Identifiers: Orphanet 26106, MedGen C1708349, MONDO:0007648, OMIM 137215.

Allele frequency attached by ClinVar (database versions not stated): gnomAD exomes below 0.00001; gnomAD 0.00002; TOPMed 0.00002.
gnomAD v4.1: 5 of 1,614,014 alleles (0.00031%); highest among the groups gnomAD compares: African/African-American, 0.0013%; no homozygotes.

Submissions (3):

Labcorp Genetics (formerly Invitae), Labcorp
Classification: Likely benign. Last evaluated: 2025-06-24. Review status: criteria provided, single submitter. Criteria: Invitae Variant Classification Sherloc (09022015). Collection method: clinical testing. Allele origin: germline.

Myriad Genetics, Inc.
Classification: Benign for Hereditary diffuse gastric adenocarcinoma. Last evaluated: 2024-10-15. Review status: criteria provided, single submitter. Criteria: Myriad Autosomal Dominant, Autosomal Recessive and X-Linked Classification Criteria (2023). Collection method: clinical testing. Allele origin: unknown.
Comment: This variant is considered benign. This variant is a silent/synonymous amino acid change and it is not expected to impact splicing.

Ambry Genetics
Classification: Likely benign for Hereditary cancer-predisposing syndrome. Last evaluated: 2022-02-12. Review status: criteria provided, single submitter. Criteria: Ambry Variant Classification Scheme 2023. Collection method: clinical testing. Allele origin: germline.